The following is an entry in ClinVar:

ClinVar aggregate classification (germline): Uncertain significance (1 of 4 stars; one submission).

Conditions:
Tuberous sclerosis 2 (TSC2). Identifiers: Orphanet 805, MedGen C1860707, MONDO:0013199, OMIM 613254.

Submission:

Labcorp Genetics (formerly Invitae), Labcorp
Classification: Uncertain significance for Tuberous sclerosis 2. Last evaluated: 2023-04-06. Review status: criteria provided, single submitter. Criteria: Invitae Variant Classification Sherloc (09022015). Collection method: clinical testing. Allele origin: germline.
Comment: In summary, the available evidence is currently insufficient to determine the role of this variant in disease. Therefore, it has been classified as a Variant of Uncertain Significance. Advanced modeling of protein sequence and biophysical properties (such as structural, functional, and spatial information, amino acid conservation, physicochemical variation, residue mobility, and thermodynamic stability) has been performed at Invitae for this missense variant, however the output from this modeling did not meet the statistical confidence thresholds required to predict the impact of this variant on TSC2 protein function. ClinVar contains an entry for this variant (Variation ID: 580896). This variant has not been reported in the literature in individuals affected with TSC2-related conditions. This variant is not present in population databases (gnomAD no frequency). This sequence change replaces arginine, which is basic and polar, with proline, which is neutral and non-polar, at codon 1793 of the TSC2 protein (p.Arg1793Pro).

NM_000548.5(TSC2):c.5378G>C (p.Arg1793Pro)

Gene: TSC2 (TSC complex subunit 2; plus strand). Cytogenetic location: 16p13.3.
Variant type: single nucleotide variant.
Coding change: c.5378G>C on transcript NM_000548.5 (MANE Select); coding-DNA position 5378, G replaced by C.
Protein change: p.Arg1793Pro; replaces arginine 1793 with proline.
Molecular consequence: missense variant.
Genome position (GRCh38, 1-based): chr16:2,088,564, G>C. VCF-style: chr16-2088564-G-C. GRCh37 (hg19) VCF-style: chr16-2138565-G-C.
Other names: c.5177G>C, p.Arg1726Pro (NM_001077183.3); c.5309G>C, p.Arg1770Pro (NM_001114382.3); c.5069G>C, p.Arg1690Pro (NM_001318827.2); c.5033G>C, p.Arg1678Pro (NM_001318829.2); c.4646G>C, p.Arg1549Pro (NM_001318831.2); c.5210G>C, p.Arg1737Pro (NM_001318832.2); c.5180G>C, p.Arg1727Pro (NM_001363528.2); c.5246G>C, p.Arg1749Pro (NM_001370404.1); and 2 more; short protein forms R1793P, R1678P, R1690P, R1727P, R1746P, R1726P, R1750P, R1549P.
Identifiers: ClinVar variation 580896 (VCV000580896.8), dbSNP rs45506695, ClinGen allele CA394315973.
Genomic context (GRCh38, chr16:2,088,564, plus strand): 5'-ATAGCAAAGCCCCTGCACAGACTCCAGCCGAGCCCACACCTGGCTATGAGGTGGGCCAGC[G>C]GAAGCGCCTCATCTCCTCGGTGGAGGACTTCACCGAGTTTGTGTGAGGCCGGGGCCCTCC-3'
Protein context (NP_000539.2, residues 1783-1803): EPTPGYEVGQ[Arg1793Pro]KRLISSVEDF